The following is an entry in ClinVar:

NM_015375.3(DSTYK):c.1229A>G (p.Asn410Ser)

Gene: DSTYK (dual serine/threonine and tyrosine protein kinase; minus strand). Cytogenetic location: 1q32.1.
Variant type: single nucleotide variant.
Coding change: c.1229A>G on transcript NM_015375.3 (MANE Select); coding-DNA position 1229, A replaced by G.
Protein change: p.Asn410Ser; replaces asparagine 410 with serine.
Molecular consequence: missense variant.
Genome position (GRCh38, 1-based): chr1:205,169,258, T>C on the plus strand (A>G on the coding strand, the complement: DSTYK is on the minus strand). VCF-style: chr1-205169258-T-C. GRCh37 (hg19) VCF-style: chr1-205138386-T-C.
Other names: c.1229A>G, p.Asn410Ser (NM_199462.3); short protein forms N410S.
Identifiers: ClinVar variation 4015160 (VCV004015160.2).

ClinVar aggregate classification (germline): Uncertain significance. Review status: criteria provided, multiple submitters, no conflicts (2 of 4 stars). 2 submissions from 2 submitters: Uncertain significance (2). Last evaluated 2025-04-13.

Conditions:
DSTYK-related disorder. Also called: DSTYK-related condition.

gnomAD v4.1: 22 of 1,614,054 alleles (0.0014%); highest among the groups gnomAD compares: Middle Eastern, 0.016%; no homozygotes.

Submissions (2):

PreventionGenetics, part of Exact Sciences
Classification: Uncertain significance for DSTYK-related condition. Last evaluated: 2025-04-13. Review status: criteria provided, single submitter. Criteria: ACMG Guidelines, 2015. Collection method: clinical testing. Allele origin: germline.
Comment: The DSTYK c.1229A>G variant is predicted to result in the amino acid substitution p.Asn410Ser. To our knowledge, this variant has not been reported in the literature or in a large population database (gnomAD), indicating this variant is rare. At this time, the clinical significance of this variant is uncertain due to the absence of conclusive functional and genetic evidence.

Ambry Genetics
Classification: Uncertain significance. Last evaluated: 2025-04-12. Review status: criteria provided, single submitter. Criteria: Ambry Variant Classification Scheme 2023. Collection method: clinical testing. Allele origin: germline.